The following is an entry in ClinVar:

NM_000051.4(ATM):c.4349dup (p.Lys1451fs)

Gene: ATM (ATM serine/threonine kinase; plus strand). Cytogenetic location: 11q22.3.
Variant type: Duplication.
Coding change: c.4349dup on transcript NM_000051.4 (MANE Select); coding-DNA position 4349, one base duplicated (T; older notation c.4349dupT).
Protein change: p.Lys1451fs; shifts the reading frame from lysine 1451.
Molecular consequence: frameshift variant.
Genome position (GRCh38, 1-based): chr11:108,289,714, T duplicated. VCF-style (leftmost placement, unchanged base first): chr11-108289713-C-CT. GRCh37 (hg19) VCF-style: chr11-108160440-C-CT.
Other names: c.4349dup, p.Lys1451fs (NM_001351834.2); c.4349dupT (NM_000051.3); short protein forms K1451fs.
Identifiers: ClinVar variation 4617119 (VCV004617119.1).

ClinVar aggregate classification (germline): Pathogenic (1 of 4 stars; one submission).

Conditions:
Hereditary cancer-predisposing syndrome. Also called: Neoplastic Syndromes, Hereditary; Tumor predisposition; Hereditary Cancer Syndrome; Hereditary neoplastic syndrome. Identifiers: Orphanet 140162, MedGen C0027672, MeSH D009386, MONDO:0015356.

Submission:

Ambry Genetics
Classification: Pathogenic for Hereditary cancer-predisposing syndrome. Last evaluated: 2025-09-18. Review status: criteria provided, single submitter. Criteria: Ambry Variant Classification Scheme 2023. Collection method: clinical testing. Allele origin: germline.
Comment: The c.4349dupT pathogenic mutation, located in coding exon 28 of the ATM gene, results from a duplication of T at nucleotide position 4349, causing a translational frameshift with a predicted alternate stop codon (p.K1451Efs*40). This variant is considered to be rare based on population cohorts in the Genome Aggregation Database (gnomAD). This alteration is expected to result in loss of function by premature protein truncation or nonsense-mediated mRNA decay. As such, this alteration is interpreted as a disease-causing mutation.